The following is an entry in ClinVar:

NM_001011.4(RPS7):c.406C>G (p.Pro136Ala)

Gene: RPS7 (ribosomal protein S7; plus strand). Cytogenetic location: 2p25.3.
Variant type: single nucleotide variant.
Coding change: c.406C>G on transcript NM_001011.4 (MANE Select); coding-DNA position 406, C replaced by G.
Protein change: p.Pro136Ala; replaces proline 136 with alanine.
Molecular consequence: missense variant.
Genome position (GRCh38, 1-based): chr2:3,580,159, C>G. VCF-style: chr2-3580159-C-G. GRCh37 (hg19) VCF-style: chr2-3627749-C-G.
Other names: short protein forms P136A.
Identifiers: ClinVar variation 855605 (VCV000855605.9), dbSNP rs1661370560, ClinGen allele CA345743434.

ClinVar aggregate classification (germline): Uncertain significance (1 of 4 stars; one submission).

Conditions:
Diamond-Blackfan anemia 8 (DBA8). Also called: RPS7-Related Diamond-Blackfan Anemia. Identifiers: Orphanet 124, MedGen C2675511, MONDO:0012939, OMIM 612563.

Submission:

Labcorp Genetics (formerly Invitae), Labcorp
Classification: Uncertain significance for Diamond-Blackfan anemia 8. Last evaluated: 2022-04-15. Review status: criteria provided, single submitter. Criteria: Invitae Variant Classification Sherloc (09022015). Collection method: clinical testing. Allele origin: germline.
Comment: Algorithms developed to predict the effect of missense changes on protein structure and function (SIFT, PolyPhen-2, Align-GVGD) all suggest that this variant is likely to be disruptive. In summary, the available evidence is currently insufficient to determine the role of this variant in disease. Therefore, it has been classified as a Variant of Uncertain Significance. ClinVar contains an entry for this variant (Variation ID: 855605). This variant has not been reported in the literature in individuals affected with RPS7-related conditions. This variant is not present in population databases (gnomAD no frequency). This sequence change replaces proline, which is neutral and non-polar, with alanine, which is neutral and non-polar, at codon 136 of the RPS7 protein (p.Pro136Ala).